The following is an entry in ClinVar:

ClinVar aggregate classification (germline): Likely benign. Review status: criteria provided, multiple submitters, no conflicts (2 of 4 stars). 4 submissions from 4 submitters: Likely benign (3). 1 of the submissions does not count toward it. Last evaluated 2026-01-08.

Conditions:
BBS9-related disorder. Also called: BBS9-related condition.
Bardet-Biedl syndrome 9 (BBS9). Identifiers: Orphanet 110, MedGen C1859567, MONDO:0014437, OMIM 615986.
Bardet-Biedl syndrome (BBS). Identifiers: Orphanet 110, MedGen C0752166, MONDO:0015229.

Allele frequency attached by ClinVar (database versions not stated): ExAC 0.00001; gnomAD exomes 0.00001; gnomAD 0.00007 and 0.00008; ESP Exome Variant Server 0.00008; TOPMed 0.00008.
gnomAD v4.1: 24 of 1,614,042 alleles (0.0015%); highest among the groups gnomAD compares: Middle Eastern, 0.016%; no homozygotes.

Submissions (4):

Labcorp Genetics (formerly Invitae), Labcorp
Classification: Likely benign for Bardet-Biedl syndrome. Last evaluated: 2026-01-08. Review status: criteria provided, single submitter. Criteria: Invitae Variant Classification Sherloc (09022015). Collection method: clinical testing. Allele origin: germline.

Blueprint Genetics
Classification: Likely benign. Last evaluated: 2024-09-10. Review status: criteria provided, single submitter. Criteria: ACMG Guidelines, 2015. Collection method: clinical testing. Allele origin: germline.

Fulgent Genetics
Classification: Likely benign for Bardet-Biedl syndrome 9. Last evaluated: 2021-07-21. Review status: criteria provided, single submitter. Criteria: ACMG Guidelines, 2015. Collection method: clinical testing. Allele origin: unknown.

PreventionGenetics, part of Exact Sciences
Classification: Likely benign for BBS9-related condition. Last evaluated: 2022-03-22. Review status: no assertion criteria provided. Collection method: clinical testing. Allele origin: germline. Not counted in ClinVar's aggregate classification.
Comment: This variant is classified as likely benign based on ACMG/AMP sequence variant interpretation guidelines (Richards et al. 2015 PMID: 25741868, with internal and published modifications).

NM_198428.3(BBS9):c.2313G>A (p.Thr771=)

Gene: BBS9 (Bardet-Biedl syndrome 9; plus strand). Cytogenetic location: 7p14.3.
Variant type: single nucleotide variant.
Coding change: c.2313G>A on transcript NM_198428.3 (MANE Select); coding-DNA position 2313, G replaced by A.
Protein change: p.Thr771=; no amino-acid change (threonine 771 retained).
Molecular consequence: synonymous variant. On other transcripts: non-coding transcript variant (3).
Genome position (GRCh38, 1-based): chr7:33,533,968, G>A. VCF-style: chr7-33533968-G-A. GRCh37 (hg19) VCF-style: chr7-33573580-G-A.
Other names: c.2208G>A, p.Thr736= (NM_001033604.2); c.2298G>A, p.Thr766= (NM_001033605.2); c.2313G>A, p.Thr771= (NM_001348036.1, NM_001348041.4, NM_001348043.3 and 1 more transcripts); c.1764G>A, p.Thr588= (NM_001348037.3); c.2040G>A, p.Thr680= (NM_001348038.3); c.1935G>A, p.Thr645= (NM_001348039.3); c.2193G>A, p.Thr731= (NM_001348040.3, NM_014451.4); c.2178G>A, p.Thr726= (NM_001348042.3); and 3 more.
Identifiers: ClinVar variation 1110487 (VCV001110487.13), dbSNP rs374269883, ClinGen allele CA4214661.
Genomic context (GRCh38, chr7:33,533,968, plus strand): 5'-CTTATTGTCATCTTTGTATTAATTCAAAATTGGCTTTTGTATCCAGGGCTGGGAAGAAAC[G>A]GTGGATGCCGCCATTTCCCACCTGTTGAAGACTTGCCTGTCGAAGAGTTCTAAGGAGCAG-3'
Protein context (NP_940820.1, residues 761-781): EDTQELGWEE[Thr771=]VDAAISHLLK